The following is an entry in ClinVar:

ClinVar aggregate classification (germline): Uncertain significance (1 of 4 stars; one submission).

Conditions:
Baller-Gerold syndrome (BGS). Also called: CRANIOSYNOSTOSIS WITH RADIAL DEFECTS. Identifiers: Orphanet 1225, MedGen C0265308, MONDO:0009039, OMIM 218600.

Submission:

Labcorp Genetics (formerly Invitae), Labcorp
Classification: Uncertain significance for Baller-Gerold syndrome. Last evaluated: 2016-05-02. Review status: criteria provided, single submitter. Criteria: Invitae Variant Classification Sherloc (09022015). Collection method: clinical testing. Allele origin: germline.
Comment: This sequence change replaces arginine with proline at codon 60 of the RECQL4 protein (p.Arg60Pro). The arginine residue is weakly conserved and there is a moderate physicochemical difference between arginine and proline. This variant is not present in population databases (ExAC no frequency) and has not been reported in the literature in individuals with a RECQL4-related disease. Algorithms developed to predict the effect of missense changes on protein structure and function do not agree on the potential impact of this missense change (SIFT: "tolerated"; PolyPhen-2: "Possibly Damaging"; Align-GVGD: "Class C0"). In summary, this variant is a novel missense change with uncertain impact on protein function. It has been classified as a Variant of Uncertain Significance.

NM_004260.4(RECQL4):c.179G>C (p.Arg60Pro)

Genes: RECQL4 (RecQ like helicase 4; minus strand), LOC130001411 (ATAC-STARR-seq lymphoblastoid silent region 19699; plus strand). Cytogenetic location: 8q24.3.
Variant type: single nucleotide variant.
Coding change: c.179G>C on transcript NM_004260.4 (MANE Select); coding-DNA position 179, G replaced by C.
Protein change: p.Arg60Pro; replaces arginine 60 with proline.
Molecular consequence: missense variant.
Genome position (GRCh38, 1-based): chr8:144,517,448, C>G on the plus strand (G>C on the coding strand, the complement: RECQL4 is on the minus strand). VCF-style: chr8-144517448-C-G. GRCh37 (hg19) VCF-style: chr8-145742832-C-G.
Other names: short protein forms R60P.
Identifiers: ClinVar variation 406990 (VCV000406990.3), dbSNP rs1060501374, ClinGen allele CA16612562.